The following is an entry in ClinVar:

ClinVar aggregate classification (germline): Likely benign (1 of 4 stars; one submission).

Allele frequency attached by ClinVar (database versions not stated): 1000 Genomes Project 0.00519; TOPMed 0.01350; gnomAD 0.01443 and 0.01436; 1000 Genomes Project 30x 0.00531; gnomAD exomes 0.02174.

Submission:

GeneDx
Classification: Likely benign. Last evaluated: 2018-06-14. Review status: criteria provided, single submitter. Criteria: GeneDx Variant Classification (06012015). Collection method: clinical testing. Allele origin: germline. Affected: yes.
Comment: This variant is considered likely benign or benign based on one or more of the following criteria: it is a conservative change, it occurs at a poorly conserved position in the protein, it is predicted to be benign by multiple in silico algorithms, and/or has population frequency not consistent with disease.

NM_006516.2(SLC2A1):c.-555T>A

Genes: SLC2A1 (solute carrier family 2 member 1; minus strand), SLC2A1-DT (SLC2A1 divergent transcript; plus strand). Cytogenetic location: 1p34.2.
Variant type: single nucleotide variant.
Coding change: c.-555T>A on transcript NM_006516.2; 555 bases upstream of the start codon, T replaced by A.
Molecular consequence: non-coding transcript variant (on NR_033967.1).
Genome position (GRCh38, 1-based): chr1:42,959,206, A>T on the plus strand (T>A on the coding strand, the complement: SLC2A1 is on the minus strand). VCF-style: chr1-42959206-A-T. GRCh37 (hg19) VCF-style: chr1-43424877-A-T.
Identifiers: ClinVar variation 670881 (VCV000670881.3), dbSNP rs116344478, ClinGen allele CA15091110.
Genomic context (GRCh38, chr1:42,959,206, plus strand): 5'-CCTCCGCGGCCTTCTCTAGCAAAATGGTGGAGCCGGTACCCGGCTGTAAGGCAAGCTGGG[A>T]TGCGCGGAGTAGCGGGTGGAAAGCTGGACTGGAGTTCTCACTCGGCCGCTGGGTGACTTC-3'